The following is an entry in ClinVar:

NM_000460.4(THPO):c.347G>T (p.Gly116Val)

Gene: THPO (thrombopoietin; minus strand). Cytogenetic location: 3q27.1.
Variant type: single nucleotide variant.
Coding change: c.347G>T on transcript NM_000460.4 (MANE Select); coding-DNA position 347, G replaced by T.
Protein change: p.Gly116Val; replaces glycine 116 with valine.
Molecular consequence: missense variant.
Genome position (GRCh38, 1-based): chr3:184,373,464, C>A on the plus strand (G>T on the coding strand, the complement: THPO is on the minus strand). VCF-style: chr3-184373464-C-A. GRCh37 (hg19) VCF-style: chr3-184091252-C-A.
Other names: c.347G>T, p.Gly116Val (NM_001177597.2, NM_001177598.2, NM_001289997.1 and 5 more transcripts); c.767G>T, p.Gly256Val (NM_001290003.1); short protein forms G116V, G256V.
Identifiers: ClinVar variation 2179382 (VCV002179382.4), dbSNP rs1126665, ClinGen allele CA2734986.
Genomic context (GRCh38, chr3:184,373,464, plus strand): 5'-TGGGGACTTACCTGGGTTCCAAGGAGGCTCTGCAGGGCCCCAAGGAGGAGACGGACCTGT[C>A]CAGAAAGCTGCCCCAGGAGGGATGAGAGGCAAGTGGGTCCCAGTTGTCCCCGTGCTGCCA-3'
Protein context (NP_000451.1, residues 106-126): CLSSLLGQLS[Gly116Val]QVRLLLGALQ

ClinVar aggregate classification (germline): Uncertain significance (1 of 4 stars; one submission).

Allele frequency attached by ClinVar (database versions not stated): gnomAD exomes 0.00002; ExAC 0.00009; gnomAD 0.00030; ESP Exome Variant Server 0.00031; TOPMed 0.00036.
gnomAD v4.1: 82 of 1,614,022 alleles (0.0051%); highest among the groups gnomAD compares: African/African-American, 0.1%; no homozygotes.

Submission:

Labcorp Genetics (formerly Invitae), Labcorp
Classification: Uncertain significance. Last evaluated: 2025-06-09. Review status: criteria provided, single submitter. Criteria: Invitae Variant Classification Sherloc (09022015). Collection method: clinical testing. Allele origin: germline.
Comment: This sequence change replaces glycine, which is neutral and non-polar, with valine, which is neutral and non-polar, at codon 116 of the THPO protein (p.Gly116Val). This variant is present in population databases (rs1126665, gnomAD 0.1%). This variant has not been reported in the literature in individuals affected with THPO-related conditions. ClinVar contains an entry for this variant (Variation ID: 2179382). Invitae Evidence Modeling of protein sequence and biophysical properties (such as structural, functional, and spatial information, amino acid conservation, physicochemical variation, residue mobility, and thermodynamic stability) indicates that this missense variant is not expected to disrupt THPO protein function with a negative predictive value of 80%. In summary, the available evidence is currently insufficient to determine the role of this variant in disease. Therefore, it has been classified as a Variant of Uncertain Significance.